The following is an entry in ClinVar:

NC_000008.10:g.(?_10464405)_(10470876_?)dup

Gene: RP1L1 (RP1 like 1). Cytogenetic location: 8p23.1.
Variant type: Duplication.
Identifiers: ClinVar variation 2427573 (VCV002427573.4).

ClinVar aggregate classification (germline): Uncertain significance (1 of 4 stars; one submission).

Submission:

Labcorp Genetics (formerly Invitae), Labcorp
Classification: Uncertain significance. Last evaluated: 2022-07-06. Review status: criteria provided, single submitter. Criteria: Invitae Variant Classification Sherloc (09022015). Collection method: clinical testing. Allele origin: germline.
Comment: In summary, the available evidence is currently insufficient to determine the role of this variant in disease. Therefore, it has been classified as a Variant of Uncertain Significance. This variant has not been reported in the literature in individuals affected with RP1L1-related conditions. This variant results in a copy number gain of the genomic region encompassing exon(s) 4 of the RP1L1 gene. This region includes the termination codon of the gene. This copy number gain extends beyond the assayed region for this gene and therefore may encompass additional genes. As the precise location of this event is unknown, it may be in tandem or it may be located elsewhere in the genome.